The following is an entry in ClinVar:

ClinVar aggregate classification (germline): Uncertain significance (1 of 4 stars; one submission).

gnomAD v4.1: 1 of 1,613,938 alleles (0.000062%); no homozygotes.

Submission:

GeneDx
Classification: Uncertain significance. Last evaluated: 2023-04-30. Review status: criteria provided, single submitter. Criteria: GeneDx Variant Classification Process June 2021. Collection method: clinical testing. Allele origin: germline. Affected: yes.
Comment: Not observed at significant frequency in large population cohorts (gnomAD); In silico analysis supports that this missense variant has a deleterious effect on protein structure/function; Has not been previously published as pathogenic or benign to our knowledge

NM_015557.3(CHD5):c.3089A>G (p.Gln1030Arg)

Gene: CHD5 (chromodomain helicase DNA binding protein 5; minus strand). Cytogenetic location: 1p36.31.
Variant type: single nucleotide variant.
Coding change: c.3089A>G on transcript NM_015557.3 (MANE Select); coding-DNA position 3089, A replaced by G.
Protein change: p.Gln1030Arg; replaces glutamine 1030 with arginine.
Molecular consequence: missense variant.
Genome position (GRCh38, 1-based): chr1:6,134,183, T>C on the plus strand (A>G on the coding strand, the complement: CHD5 is on the minus strand). VCF-style: chr1-6134183-T-C. GRCh37 (hg19) VCF-style: chr1-6194243-T-C.
Other names: short protein forms Q1030R.
Identifiers: ClinVar variation 2661955 (VCV002661955.1), dbSNP rs2525392281, ClinGen allele CA338077664.